The following is an entry in ClinVar:

NM_017617.5(NOTCH1):c.1669+13G>A

Gene: NOTCH1 (notch receptor 1; minus strand). Cytogenetic location: 9q34.3.
Variant type: single nucleotide variant.
Coding change: c.1669+13G>A on transcript NM_017617.5 (MANE Select); 13 bases into the intron after coding-DNA position 1669, G replaced by A.
Molecular consequence: intron variant.
Genome position (GRCh38, 1-based): chr9:136,515,968, C>T on the plus strand (G>A on the coding strand, the complement: NOTCH1 is on the minus strand). VCF-style: chr9-136515968-C-T. GRCh37 (hg19) VCF-style: chr9-139410420-C-T.
Other names: c.1669+13G>A (LRG_1122t1, NM_017617.4).
Identifiers: ClinVar variation 387329 (VCV000387329.12), dbSNP rs147260092, ClinGen allele CA5341688.
Genomic context (GRCh38, chr9:136,515,968, plus strand): 5'-CTTGTCAGTTTCACTGCCCTGAGTGCCCTGTCCCGTCCCCAGTCCCTCCCCGCTGGTGGG[C>T]GCCAGCCCGCACCTTCCGTGCACACACAGGTGTAAGTGTTGGGTCCGTCCAGGCACTTGG-3'

ClinVar aggregate classification (germline): Benign/Likely benign. Review status: criteria provided, multiple submitters, no conflicts (2 of 4 stars). 8 submissions from 7 submitters: Benign (6); Likely benign (2). Last evaluated 2026-02-04.

Conditions:
Adams-Oliver syndrome 5 (AOS5). Identifiers: Orphanet 974, MedGen C4014970, MONDO:0014459, OMIM 616028.
Aortic valve disease 1 (AOVD1). Identifiers: MedGen C3887892, MONDO:0024523, OMIM 109730.
Connective tissue disorder. Also called: Connective tissue disease. Identifiers: MedGen C0009782, MONDO:0003900.

Allele frequency attached by ClinVar (database versions not stated): gnomAD exomes 0.00080; ExAC 0.00122; gnomAD 0.00293 and 0.00319; TOPMed 0.00318; ESP Exome Variant Server 0.00325; 1000 Genomes Project 0.00379; 1000 Genomes Project 30x 0.00422.
gnomAD v4.1: 880 of 1,599,122 alleles (0.055%); highest among the groups gnomAD compares: African/African-American, 1.1%; 2 homozygotes.

Submissions (8):

Labcorp Genetics (formerly Invitae), Labcorp
Classification: Benign for Adams-Oliver syndrome 5. Last evaluated: 2026-02-04. Review status: criteria provided, single submitter. Criteria: Invitae Variant Classification Sherloc (09022015). Collection method: clinical testing. Allele origin: germline.

ARUP Laboratories, Molecular Genetics and Genomics, ARUP Laboratories
Classification: Benign. Last evaluated: 2025-01-27. Review status: criteria provided, single submitter. Criteria: ARUP Molecular Germline Variant Investigation Process 2024. Collection method: clinical testing. Allele origin: germline.

Blueprint Genetics
Classification: Likely benign. Last evaluated: 2024-11-25. Review status: criteria provided, single submitter. Criteria: ACMG Guidelines, 2015. Collection method: clinical testing. Allele origin: germline.

Women's Health and Genetics/Laboratory Corporation of America, LabCorp
Classification: Benign. Last evaluated: 2023-07-21. Review status: criteria provided, single submitter. Criteria: LabCorp Variant Classification Summary - May 2015. Collection method: clinical testing. Allele origin: germline.

Genome-Nilou Lab
Classification: Benign for Adams-Oliver syndrome 5. Last evaluated: 2022-03-15. Review status: criteria provided, single submitter. Criteria: ACMG Guidelines, 2015. Collection method: clinical testing. Allele origin: germline. Affected: no.

Genome-Nilou Lab
Classification: Benign for Aortic valve disease 1. Last evaluated: 2022-03-15. Review status: criteria provided, single submitter. Criteria: ACMG Guidelines, 2015. Collection method: clinical testing. Allele origin: germline. Affected: no.

GeneDx
Classification: Benign. Last evaluated: 2016-12-06. Review status: criteria provided, single submitter. Criteria: GeneDx Variant Classification (06012015). Collection method: clinical testing. Allele origin: germline. Affected: yes.
Comment: This variant is considered likely benign or benign based on one or more of the following criteria: it is a conservative change, it occurs at a poorly conserved position in the protein, it is predicted to be benign by multiple in silico algorithms, and/or has population frequency not consistent with disease.

Center for Human Genetics, Inc
Classification: Likely benign for Connective tissue disorder. Last evaluated: 2016-11-01. Review status: criteria provided, single submitter. Criteria: ACMG Guidelines, 2015. Collection method: clinical testing. Allele origin: germline. Affected: yes.

Literature cited by the submitters: PubMed 16614245 (cited by Women's Health and Genetics/Laboratory Corporation of America, LabCorp); PubMed 19635999 (cited by Women's Health and Genetics/Laboratory Corporation of America, LabCorp); PubMed 19245433 (cited by Women's Health and Genetics/Laboratory Corporation of America, LabCorp); PubMed 22858860 (cited by Women's Health and Genetics/Laboratory Corporation of America, LabCorp).